The following is an entry in ClinVar:

ClinVar aggregate classification (germline): Uncertain significance (1 of 4 stars; one submission).

Submission:

Labcorp Genetics (formerly Invitae), Labcorp
Classification: Uncertain significance. Last evaluated: 2022-07-03. Review status: criteria provided, single submitter. Criteria: Invitae Variant Classification Sherloc (09022015). Collection method: clinical testing. Allele origin: germline.
Comment: In summary, the available evidence is currently insufficient to determine the role of this variant in disease. Therefore, it has been classified as a Variant of Uncertain Significance. Algorithms developed to predict the effect of missense changes on protein structure and function output the following: SIFT: "Deleterious"; PolyPhen-2: "Benign"; Align-GVGD: "Class C0". The valine amino acid residue is found in multiple mammalian species, which suggests that this missense change does not adversely affect protein function. This variant has not been reported in the literature in individuals affected with IMPG1-related conditions. This variant is not present in population databases (gnomAD no frequency). This sequence change replaces alanine, which is neutral and non-polar, with valine, which is neutral and non-polar, at codon 249 of the IMPG1 protein (p.Ala249Val).

NM_001563.4(IMPG1):c.746C>T (p.Ala249Val)

Gene: IMPG1 (interphotoreceptor matrix proteoglycan 1; minus strand). Cytogenetic location: 6q14.1.
Variant type: single nucleotide variant.
Coding change: c.746C>T on transcript NM_001563.4 (MANE Select); coding-DNA position 746, C replaced by T.
Protein change: p.Ala249Val; replaces alanine 249 with valine.
Molecular consequence: missense variant.
Genome position (GRCh38, 1-based): chr6:76,018,779, G>A on the plus strand (C>T on the coding strand, the complement: IMPG1 is on the minus strand). VCF-style: chr6-76018779-G-A. GRCh37 (hg19) VCF-style: chr6-76728496-G-A.
Other names: c.512C>T, p.Ala171Val (NM_001282368.2); short protein forms A171V, A249V.
Identifiers: ClinVar variation 2009866 (VCV002009866.4), dbSNP rs2481498522, ClinGen allele CA364778836.